The following is an entry in ClinVar:

ClinVar aggregate classification (germline): Likely benign. Review status: criteria provided, multiple submitters, no conflicts (2 of 4 stars). 2 submissions from 2 submitters: Likely benign (2). Last evaluated 2026-03-01.

Allele frequency attached by ClinVar (database versions not stated): gnomAD exomes 0.00001; ExAC 0.00002; TOPMed 0.00002.
gnomAD v4.1: 3 of 1,613,314 alleles (0.00019%); highest among the groups gnomAD compares: Admixed American, 0.005%; no homozygotes.

Submissions (2):

CeGaT Center for Human Genetics Tuebingen
Classification: Likely benign. Last evaluated: 2026-03-01. Review status: criteria provided, single submitter. Criteria: CeGaT Center For Human Genetics Tuebingen Variant Classification Criteria Version 2. Collection method: clinical testing. Allele origin: germline. Affected: yes. Observed: 1 variant allele.
Comment: FAT4: BP4, BP7

Labcorp Genetics (formerly Invitae), Labcorp
Classification: Likely benign. Last evaluated: 2023-12-28. Review status: criteria provided, single submitter. Criteria: Invitae Variant Classification Sherloc (09022015). Collection method: clinical testing. Allele origin: germline.

NM_001291303.3(FAT4):c.7248A>G (p.Thr2416=)

Gene: FAT4 (FAT atypical cadherin 4; plus strand). Cytogenetic location: 4q28.1.
Variant type: single nucleotide variant.
Coding change: c.7248A>G on transcript NM_001291303.3 (MANE Select); coding-DNA position 7248, A replaced by G.
Protein change: p.Thr2416=; no amino-acid change (threonine 2416 retained).
Molecular consequence: synonymous variant.
Genome position (GRCh38, 1-based): chr4:125,446,341, A>G. VCF-style: chr4-125446341-A-G. GRCh37 (hg19) VCF-style: chr4-126367496-A-G.
Other names: c.7248A>G, p.Thr2416= (NM_001291285.3); c.7242A>G, p.Thr2414= (NM_024582.6).
Identifiers: ClinVar variation 2418519 (VCV002418519.11), dbSNP rs760436638, ClinGen allele CA3073149.
Genomic context (GRCh38, chr4:125,446,341, plus strand): 5'-TTTCTGCTTTAGTTATAGGATCATCGGTGGAAACTCTCAGTTCACGATCAACCCATCGAC[A>G]GGACAAATCATCACCAGCGCATTGTTAGATAGGGAAACAAAAGATAATTATACTTTGGTA-3'
Protein context (NP_001278232.1, residues 2406-2426): GNSQFTINPS[Thr2416=]GQIITSALLD